The following is an entry in ClinVar:

ClinVar aggregate classification (germline): Uncertain significance (1 of 4 stars; one submission).

Conditions:
Familial thoracic aortic aneurysm and aortic dissection (TAAD). Also called: Thoracic aortic aneurysms and dissections. Identifiers: Orphanet 91387, MedGen C4707243, MONDO:0019625.

gnomAD v4.1: 1 of 1,614,060 alleles (0.000062%); highest among the groups gnomAD compares: Non-Finnish European, 0.000085%; no homozygotes.

Submission:

Labcorp Genetics (formerly Invitae), Labcorp
Classification: Uncertain significance for Familial thoracic aortic aneurysm and aortic dissection. Last evaluated: 2025-07-09. Review status: criteria provided, single submitter. Criteria: Invitae Variant Classification Sherloc (09022015). Collection method: clinical testing. Allele origin: germline.
Comment: This sequence change replaces glycine, which is neutral and non-polar, with aspartic acid, which is acidic and polar, at codon 293 of the SMAD3 protein (p.Gly293Asp). This variant is present in population databases (rs747862625, gnomAD 0.0009%). This variant has not been reported in the literature in individuals affected with SMAD3-related conditions. Invitae Evidence Modeling of protein sequence and biophysical properties (such as structural, functional, and spatial information, amino acid conservation, physicochemical variation, residue mobility, and thermodynamic stability) indicates that this missense variant is expected to disrupt SMAD3 protein function with a positive predictive value of 80%. In summary, the available evidence is currently insufficient to determine the role of this variant in disease. Therefore, it has been classified as a Variant of Uncertain Significance.

NM_005902.4(SMAD3):c.878G>A (p.Gly293Asp)

Gene: SMAD3 (SMAD family member 3; plus strand). Cytogenetic location: 15q22.33.
Variant type: single nucleotide variant.
Coding change: c.878G>A on transcript NM_005902.4 (MANE Select); coding-DNA position 878, G replaced by A.
Protein change: p.Gly293Asp; replaces glycine 293 with aspartic acid.
Molecular consequence: missense variant. On other transcripts: intron variant (1).
Genome position (GRCh38, 1-based): chr15:67,184,733, G>A. VCF-style: chr15-67184733-G-A. GRCh37 (hg19) VCF-style: chr15-67477071-G-A.
Other names: c.563G>A, p.Gly188Asp (NM_001145102.2, NM_001407016.1); c.746G>A, p.Gly249Asp (NM_001145103.2, NM_001407012.1); c.293G>A, p.Gly98Asp (NM_001145104.2, NM_001407017.1); c.878G>A, p.Gly293Asp (NM_001407011.1); c.731G>A, p.Gly244Asp (NM_001407014.1); c.431G>A, p.Gly144Asp (NM_001407015.1); c.872-2632G>A (NM_001407013.1); short protein forms G188D, G249D, G293D, G98D, G244D, G144D.
Identifiers: ClinVar variation 4753382 (VCV004753382.1).